The following is an entry in ClinVar:

ClinVar aggregate classification (germline): Likely benign (1 of 4 stars; one submission).

Allele frequency attached by ClinVar (database versions not stated): TOPMed below 0.00001; gnomAD exomes 0.00001; ExAC below 0.00001.
gnomAD v4.1: 4 of 1,604,520 alleles (0.00025%); highest among the groups gnomAD compares: South Asian, 0.0033%; no homozygotes.

Submission:

GeneDx
Classification: Likely benign. Last evaluated: 2016-04-20. Review status: criteria provided, single submitter. Criteria: GeneDx Variant Classification (06012015). Collection method: clinical testing. Allele origin: germline. Affected: yes.
Comment: This variant is considered likely benign or benign based on one or more of the following criteria: it is a conservative change, it occurs at a poorly conserved position in the protein, it is predicted to be benign by multiple in silico algorithms, and/or has population frequency not consistent with disease.

NM_020822.3(KCNT1):c.3609C>G (p.Pro1203=)

Gene: KCNT1 (potassium sodium-activated channel subfamily T member 1; plus strand). Cytogenetic location: 9q34.3.
Variant type: single nucleotide variant.
Coding change: c.3609C>G on transcript NM_020822.3 (MANE Select); coding-DNA position 3609, C replaced by G.
Protein change: p.Pro1203=; no amino-acid change (proline 1203 retained).
Molecular consequence: synonymous variant.
Genome position (GRCh38, 1-based): chr9:135,792,062, C>G. VCF-style: chr9-135792062-C-G. GRCh37 (hg19) VCF-style: chr9-138683908-C-G.
Other names: c.3537C>G, p.Pro1179= (NM_001272003.2).
Identifiers: ClinVar variation 385468 (VCV000385468.1), dbSNP rs767668014, ClinGen allele CA5328002.